The following is an entry in ClinVar:

NM_000391.4(TPP1):c.1438G>A (p.Val480Met)

Gene: TPP1 (tripeptidyl peptidase 1; minus strand). Cytogenetic location: 11p15.4.
Variant type: single nucleotide variant.
Coding change: c.1438G>A on transcript NM_000391.4 (MANE Select); coding-DNA position 1438, G replaced by A.
Protein change: p.Val480Met; replaces valine 480 with methionine.
Molecular consequence: missense variant.
Genome position (GRCh38, 1-based): chr11:6,614,979, C>T on the plus strand (G>A on the coding strand, the complement: TPP1 is on the minus strand). VCF-style: chr11-6614979-C-T. GRCh37 (hg19) VCF-style: chr11-6636210-C-T.
Other names: c.1438G>A (NM_000391.3); short protein forms V480M.
Identifiers: ClinVar variation 2141591 (VCV002141591.7), dbSNP rs1855555783, ClinGen allele CA379472471.

ClinVar aggregate classification (germline): Conflicting classifications of pathogenicity. Review status: criteria provided, conflicting classifications (1 of 4 stars). 4 submissions from 4 submitters: Likely pathogenic (2); Uncertain significance (2). Last evaluated 2026-07-21.

Conditions:
TPP1-related disorder. Also called: TPP1-related condition.

Allele frequency attached by ClinVar (database versions not stated): TOPMed below 0.00001; gnomAD 0.00001.
gnomAD v4.1: 1 of 1,613,986 alleles (0.000062%); highest among the groups gnomAD compares: Admixed American, 0.0017%; no homozygotes.

Submissions (4):

GeneDx
Classification: Likely pathogenic. Last evaluated: 2026-07-21. Review status: criteria provided, single submitter. Criteria: GeneDx Variant Classification Process June 2021. Collection method: clinical testing. Allele origin: germline.
Comment: Not observed at significant frequency in large population cohorts (gnomAD); In silico analysis suggests that this missense variant does not alter protein structure/function; This variant is associated with the following publications: (PMID: 33377563)

PreventionGenetics, part of Exact Sciences
Classification: Likely pathogenic for TPP1-related condition. Last evaluated: 2026-06-11. Review status: criteria provided, single submitter. Criteria: ACMG Guidelines, 2015. Collection method: clinical testing. Allele origin: germline.
Comment: The TPP1 c.1438G>A variant is predicted to result in the amino acid substitution p.Val480Met. This variant has been reported along with a second causative TPP1 variant in three siblings with atypical neuronal ceroid lipofuscinosis type 2 disease (Lourenco et al. 2021. PubMed ID: 33377563). Additionally, TPP1 enzymatic activity in the three siblings were undetectable (Lourenco et al. 2021. PubMed ID: 33377563). To our knowledge, this variant has not been reported in the literature or in a large population database (gnomAD), indicating this variant is rare. An alternate variant affecting the same amino acid position, c.1439T>G, p.(Val480Gly), has been reported in the compound heterozygous state in an individual with neuronal ceroid lipofuscinosis type 2 (Elleder et al. 2008. PubMedID: 18283468). This variant is interpreted as likely pathogenic.

Labcorp Genetics (formerly Invitae), Labcorp
Classification: Uncertain significance. Last evaluated: 2022-08-05. Review status: criteria provided, single submitter. Criteria: Invitae Variant Classification Sherloc (09022015). Collection method: clinical testing. Allele origin: germline.
Comment: This sequence change replaces valine, which is neutral and non-polar, with methionine, which is neutral and non-polar, at codon 480 of the TPP1 protein (p.Val480Met). This variant is not present in population databases (gnomAD no frequency). This variant has not been reported in the literature in individuals affected with TPP1-related conditions. Advanced modeling of protein sequence and biophysical properties (such as structural, functional, and spatial information, amino acid conservation, physicochemical variation, residue mobility, and thermodynamic stability) performed at Invitae indicates that this missense variant is expected to disrupt TPP1 protein function. In summary, the available evidence is currently insufficient to determine the role of this variant in disease. Therefore, it has been classified as a Variant of Uncertain Significance.

Revvity Omics, Revvity
Classification: Uncertain significance. Last evaluated: 2020-11-22. Review status: criteria provided, single submitter. Criteria: ACMG Guidelines, 2015. Collection method: clinical testing. Allele origin: germline.